The following is an entry in ClinVar:

NM_005592.4(MUSK):c.361C>T (p.Pro121Ser)

Gene: MUSK (muscle associated receptor tyrosine kinase; plus strand). Cytogenetic location: 9q31.3.
Variant type: single nucleotide variant.
Coding change: c.361C>T on transcript NM_005592.4 (MANE Select); coding-DNA position 361, C replaced by T.
Protein change: p.Pro121Ser; replaces proline 121 with serine.
Molecular consequence: missense variant.
Genome position (GRCh38, 1-based): chr9:110,695,405, C>T. VCF-style: chr9-110695405-C-T. GRCh37 (hg19) VCF-style: chr9-113457685-C-T.
Other names: c.361C>T, p.Pro121Ser (NM_001166280.2, NM_001166281.2); short protein forms P121S.
Identifiers: ClinVar variation 2433850 (VCV002433850.5), dbSNP rs760483928, ClinGen allele CA198339755.

ClinVar aggregate classification (germline): Uncertain significance. Review status: criteria provided, multiple submitters, no conflicts (2 of 4 stars). 2 submissions from 2 submitters: Uncertain significance (2). Last evaluated 2025-10-02.

Conditions:
Fetal akinesia deformation sequence 1 (FADS1). Also called: Pena-Shokeir syndrome type I; Fetal akinesia sequence. Identifiers: Orphanet 994, MedGen C1276035, MONDO:0100101, OMIM 208150, HP:0001989.
Congenital myasthenic syndrome 9. Also called: Myasthenic syndrome, congenital, 9, associated with acetylcholine receptor deficiency. Identifiers: Orphanet 590, MedGen C4225368, MONDO:0014587, OMIM 616325.

Allele frequency attached by ClinVar (database versions not stated): gnomAD exomes 0.00003.
gnomAD v4.1: 38 of 1,496,490 alleles (0.0025%); highest among the groups gnomAD compares: Non-Finnish European, 0.0032%; no homozygotes.

Submissions (2):

Labcorp Genetics (formerly Invitae), Labcorp
Classification: Uncertain significance for Congenital myasthenic syndrome 9; Fetal akinesia deformation sequence 1. Last evaluated: 2025-10-02. Review status: criteria provided, single submitter. Criteria: Invitae Variant Classification Sherloc (09022015). Collection method: clinical testing. Allele origin: germline.
Comment: This sequence change replaces proline, which is neutral and non-polar, with serine, which is neutral and polar, at codon 121 of the MUSK protein (p.Pro121Ser). The frequency data for this variant in the population databases is considered unreliable, as metrics indicate poor data quality at this position in the gnomAD database. This variant has not been reported in the literature in individuals affected with MUSK-related conditions. ClinVar contains an entry for this variant (Variation ID: 2433850). An algorithm developed to predict the effect of missense changes on protein structure and function (PolyPhen-2) suggests that this variant is likely to be disruptive. In summary, the available evidence is currently insufficient to determine the role of this variant in disease. Therefore, it has been classified as a Variant of Uncertain Significance.

Revvity Omics, Revvity
Classification: Uncertain significance. Last evaluated: 2020-02-20. Review status: criteria provided, single submitter. Criteria: ACMG Guidelines, 2015. Collection method: clinical testing. Allele origin: germline.